The following is an entry in ClinVar:

NM_001289080.2(CNTN6):c.383C>T (p.Thr128Ile)

Gene: CNTN6 (contactin 6; plus strand). Cytogenetic location: 3p26.3.
Variant type: single nucleotide variant.
Coding change: c.383C>T on transcript NM_001289080.2 (MANE Select); coding-DNA position 383, C replaced by T.
Protein change: p.Thr128Ile; replaces threonine 128 with isoleucine.
Molecular consequence: missense variant. On other transcripts: 5 prime UTR variant (4).
Genome position (GRCh38, 1-based): chr3:1,278,437, C>T. VCF-style: chr3-1278437-C-T. GRCh37 (hg19) VCF-style: chr3-1320121-C-T.
Other names: c.167C>T, p.Thr56Ile (NM_001289081.2); c.383C>T, p.Thr128Ile (NM_001349350.2, NM_001349351.2, NM_001349352.2 and 7 more transcripts); c.-555C>T (NM_001349359.2); c.-433C>T (NM_001349360.2); c.-735C>T (NM_001349361.2); c.-637C>T (NM_001349362.2); short protein forms T128I, T56I.
Identifiers: ClinVar variation 3044328 (VCV003044328.3), dbSNP rs115904769, ClinGen allele CA2225735.

ClinVar aggregate classification (germline): Likely benign. Review status: criteria provided, single submitter (1 of 4 stars). 2 submissions from 2 submitters: Likely benign (1). 1 of the submissions does not count toward it. Last evaluated 2024-05-27.

Conditions:
CNTN6-related disorder. Also called: CNTN6-related condition.

Allele frequency attached by ClinVar (database versions not stated): ExAC 0.00035; 1000 Genomes Project 0.00080; 1000 Genomes Project 30x 0.00109; gnomAD 0.00122; TOPMed 0.00135; ESP Exome Variant Server 0.00215.
gnomAD v4.1: 338 of 1,608,160 alleles (0.021%); highest among the groups gnomAD compares: African/African-American, 0.42%; no homozygotes.

Submissions (2):

Blueprint Genetics
Classification: Likely benign. Last evaluated: 2024-05-27. Review status: criteria provided, single submitter. Criteria: ACMG Guidelines, 2015. Collection method: clinical testing. Allele origin: germline.

PreventionGenetics, part of Exact Sciences
Classification: Likely benign for CNTN6-related condition. Last evaluated: 2019-06-04. Review status: no assertion criteria provided. Collection method: clinical testing. Allele origin: germline. Not counted in ClinVar's aggregate classification.
Comment: This variant is classified as likely benign based on ACMG/AMP sequence variant interpretation guidelines (Richards et al. 2015 PMID: 25741868, with internal and published modifications).